The following is an entry in ClinVar:

NM_000554.6(CRX):c.799T>G (p.Leu267Val)

Gene: CRX (cone-rod homeobox; plus strand). Cytogenetic location: 19q13.33.
Variant type: single nucleotide variant.
Coding change: c.799T>G on transcript NM_000554.6 (MANE Select); coding-DNA position 799, T replaced by G.
Protein change: p.Leu267Val; replaces leucine 267 with valine.
Molecular consequence: missense variant.
Genome position (GRCh38, 1-based): chr19:47,839,866, T>G. VCF-style: chr19-47839866-T-G. GRCh37 (hg19) VCF-style: chr19-48343123-T-G.
Other names: short protein forms L267V.
Identifiers: ClinVar variation 1934765 (VCV001934765.5), dbSNP rs2514256755, ClinGen allele CA406631817.

ClinVar aggregate classification (germline): Uncertain significance (1 of 4 stars; one submission).

Conditions:
Leber congenital amaurosis 7 (LCA7). Identifiers: Orphanet 65, MedGen C3151192, MONDO:0013449, OMIM 613829.
Cone-rod dystrophy 2 (CORD2). Also called: CONE-ROD RETINAL DYSTROPHY; Cone-rod retinal dystrophy 2. Identifiers: Orphanet 1872, MedGen C3489532, MONDO:0007362, OMIM 120970.

Allele frequency attached by ClinVar (database versions not stated): gnomAD exomes below 0.00001.
gnomAD v4.1: 3 of 1,614,084 alleles (0.00019%); highest among the groups gnomAD compares: Middle Eastern, 0.016%; no homozygotes.

Submission:

Labcorp Genetics (formerly Invitae), Labcorp
Classification: Uncertain significance for Cone-rod dystrophy 2; Leber congenital amaurosis 7. Last evaluated: 2022-06-04. Review status: criteria provided, single submitter. Criteria: Invitae Variant Classification Sherloc (09022015). Collection method: clinical testing. Allele origin: germline.
Comment: In summary, the available evidence is currently insufficient to determine the role of this variant in disease. Therefore, it has been classified as a Variant of Uncertain Significance. Algorithms developed to predict the effect of missense changes on protein structure and function (SIFT, PolyPhen-2, Align-GVGD) all suggest that this variant is likely to be disruptive. This variant has not been reported in the literature in individuals affected with CRX-related conditions. This variant is not present in population databases (gnomAD no frequency). This sequence change replaces leucine, which is neutral and non-polar, with valine, which is neutral and non-polar, at codon 267 of the CRX protein (p.Leu267Val).